The following is an entry in ClinVar:

ClinVar aggregate classification (germline): Uncertain significance. Review status: criteria provided, multiple submitters, no conflicts (2 of 4 stars). 2 submissions from 2 submitters: Uncertain significance (2). Last evaluated 2025-09-24.

Submissions (2):

Labcorp Genetics (formerly Invitae), Labcorp
Classification: Uncertain significance. Last evaluated: 2025-09-24. Review status: criteria provided, single submitter. Criteria: Invitae Variant Classification Sherloc (09022015). Collection method: clinical testing. Allele origin: germline.
Comment: This variant, c.1676_1678del, results in the deletion of 1 amino acid(s) of the ADD3 protein (p.Glu559del), but otherwise preserves the integrity of the reading frame. This variant is present in population databases (no rsID available, gnomAD 0.002%). This variant has not been reported in the literature in individuals affected with ADD3-related conditions. ClinVar contains an entry for this variant (Variation ID: 3392637). Experimental studies and prediction algorithms are not available or were not evaluated, and the functional significance of this variant is currently unknown. In summary, the available evidence is currently insufficient to determine the role of this variant in disease. Therefore, it has been classified as a Variant of Uncertain Significance.

GeneDx
Classification: Uncertain significance. Last evaluated: 2025-02-26. Review status: criteria provided, single submitter. Criteria: GeneDx Variant Classification Process June 2021. Collection method: clinical testing. Allele origin: germline.
Comment: In-frame deletion of 1 amino acid in a non-repeat region; Not observed at significant frequency in large population cohorts (gnomAD); In silico analysis supports a deleterious effect on protein structure/function; Has not been previously published as pathogenic or benign to our knowledge

NM_016824.5(ADD3):c.1676_1678del (p.Glu559del)

Gene: ADD3 (adducin 3; plus strand). Cytogenetic location: 10q25.2.
Variant type: Deletion.
Coding change: c.1676_1678del on transcript NM_016824.5 (MANE Select); coding-DNA positions 1676 to 1678, 3 bases deleted (AAG; older notation c.1676_1678delAAG).
Protein change: p.Glu559del; deletes glutamic acid 559.
Molecular consequence: inframe deletion.
Genome position (GRCh38, 1-based): chr10:110,130,430-110,130,432, AAG deleted; deleting any 3 consecutive bases within chr10:110,130,428-110,130,432 gives the same sequence; the c. name uses the placement nearest the transcript's 3' end. VCF-style (leftmost placement, unchanged base first): chr10-110130427-CAGA-C. GRCh37 (hg19) VCF-style: chr10-111890185-CAGA-C.
Other names: c.1676_1678del, p.Glu559del (NM_001121.4, NM_001320591.2, NM_001320592.2 and 2 more transcripts); c.1442_1444del, p.Glu481del (NM_001320594.2); short protein forms E481del, E559del.
Identifiers: ClinVar variation 3392637 (VCV003392637.3).